The following is an entry in ClinVar:

NM_001003800.2(BICD2):c.778G>T (p.Glu260Ter)

Gene: BICD2 (BICD cargo adaptor 2; minus strand). Cytogenetic location: 9q22.31.
Variant type: single nucleotide variant.
Coding change: c.778G>T on transcript NM_001003800.2 (MANE Select); coding-DNA position 778, G replaced by T.
Protein change: p.Glu260Ter; replaces glutamic acid 260 with a stop codon.
Molecular consequence: nonsense.
Genome position (GRCh38, 1-based): chr9:92,720,584, C>A on the plus strand (G>T on the coding strand, the complement: BICD2 is on the minus strand). VCF-style: chr9-92720584-C-A. GRCh37 (hg19) VCF-style: chr9-95482866-C-A.
Other names: c.778G>T, p.Glu260Ter (NM_015250.4); short protein forms E260*.
Identifiers: ClinVar variation 1339941 (VCV001339941.9), dbSNP rs1445458188, ClinGen allele CA374043574.

ClinVar aggregate classification (germline): Uncertain significance (1 of 4 stars; one submission).

Conditions:
Autosomal dominant childhood-onset proximal spinal muscular atrophy with contractures (SMALED2A). Also called: Spinal muscular atrophy, lower extremity-predominant, 2A, autosomal dominant; SPINAL MUSCULAR ATROPHY, LOWER EXTREMITY-PREDOMINANT, 2A, CHILDHOOD ONSET, AUTOSOMAL DOMINANT. Identifiers: Orphanet 363447, Orphanet 363454, MedGen C4747715, MONDO:0014121, OMIM 615290.
Autosomal dominant childhood-onset proximal spinal muscular atrophy without contractures. Also called: Spinal muscular atrophy, lower extremity-predominant 1, AD; KUGELBERG-WELANDER SYNDROME, AUTOSOMAL DOMINANT; SPINAL MUSCULAR ATROPHY, CHILDHOOD, PROXIMAL, AUTOSOMAL DOMINANT; SPINAL MUSCULAR ATROPHY, JUVENILE, PROXIMAL, AUTOSOMAL DOMINANT. Identifiers: Orphanet 209341, Orphanet 363447, MedGen C5780022, MONDO:0008026, OMIM 158600.

gnomAD v4.1: 1 of 1,614,164 alleles (0.000062%); no homozygotes.

Submission:

Labcorp Genetics (formerly Invitae), Labcorp
Classification: Uncertain significance for Autosomal dominant childhood-onset proximal spinal muscular atrophy with contractures. Last evaluated: 2022-11-02. Review status: criteria provided, single submitter. Criteria: Invitae Variant Classification Sherloc (09022015). Collection method: clinical testing. Allele origin: germline.
Comment: In summary, the available evidence is currently insufficient to determine the role of this variant in disease. Therefore, it has been classified as a Variant of Uncertain Significance. ClinVar contains an entry for this variant (Variation ID: 1339941). This variant has not been reported in the literature in individuals affected with BICD2-related conditions. This variant is not present in population databases (gnomAD no frequency). This sequence change creates a premature translational stop signal (p.Glu260*) in the BICD2 gene. It is expected to result in an absent or disrupted protein product. However, the current clinical and genetic evidence is not sufficient to establish whether loss-of-function variants in BICD2 cause disease.